The following is an entry in ClinVar:

ClinVar aggregate classification (germline): Uncertain significance (1 of 4 stars; one submission).

Allele frequency attached by ClinVar (database versions not stated): gnomAD exomes below 0.00001.
gnomAD v4.1: 1 of 1,602,210 alleles (0.000062%); highest among the groups gnomAD compares: South Asian, 0.0011%; no homozygotes.

Submission:

Labcorp Genetics (formerly Invitae), Labcorp
Classification: Uncertain significance. Last evaluated: 2024-01-12. Review status: criteria provided, single submitter. Criteria: Invitae Variant Classification Sherloc (09022015). Collection method: clinical testing. Allele origin: germline.
Comment: This sequence change replaces histidine, which is basic and polar, with tyrosine, which is neutral and polar, at codon 380 of the CAPN5 protein (p.His380Tyr). This variant is not present in population databases (gnomAD no frequency). This variant has not been reported in the literature in individuals affected with CAPN5-related conditions. Advanced modeling of protein sequence and biophysical properties (such as structural, functional, and spatial information, amino acid conservation, physicochemical variation, residue mobility, and thermodynamic stability) performed at Invitae indicates that this missense variant is not expected to disrupt CAPN5 protein function with a negative predictive value of 80%. In summary, the available evidence is currently insufficient to determine the role of this variant in disease. Therefore, it has been classified as a Variant of Uncertain Significance.

NM_004055.5(CAPN5):c.1138C>T (p.His380Tyr)

Gene: CAPN5 (calpain 5; plus strand). Cytogenetic location: 11q13.5.
Variant type: single nucleotide variant.
Coding change: c.1138C>T on transcript NM_004055.5 (MANE Select); coding-DNA position 1138, C replaced by T.
Protein change: p.His380Tyr; replaces histidine 380 with tyrosine.
Molecular consequence: missense variant.
Genome position (GRCh38, 1-based): chr11:77,118,323, C>T. VCF-style: chr11-77118323-C-T. GRCh37 (hg19) VCF-style: chr11-76829369-C-T.
Other names: c.1258C>T, p.His420Tyr (NM_001425321.1); c.1138C>T, p.His380Tyr (NM_001425322.1); c.1006C>T, p.His336Tyr (NM_001425323.1); short protein forms H380Y, H420Y, H336Y.
Identifiers: ClinVar variation 2709082 (VCV002709082.3), dbSNP rs2496299405, ClinGen allele CA381941826.